The following is an entry in ClinVar:

NM_001161352.2(KCNMA1):c.349G>C (p.Val117Leu)

Gene: KCNMA1 (potassium calcium-activated channel subfamily M alpha 1; minus strand). Cytogenetic location: 10q22.3.
Variant type: single nucleotide variant.
Coding change: c.349G>C on transcript NM_001161352.2 (MANE Select); coding-DNA position 349, G replaced by C.
Protein change: p.Val117Leu; replaces valine 117 with leucine.
Molecular consequence: missense variant.
Genome position (GRCh38, 1-based): chr10:77,637,294, C>G on the plus strand (G>C on the coding strand, the complement: KCNMA1 is on the minus strand). VCF-style: chr10-77637294-C-G. GRCh37 (hg19) VCF-style: chr10-79397052-C-G.
Other names: c.349G>C, p.Val117Leu (NM_001014797.3, NM_001161353.2, NM_001271518.2 and 13 more transcripts); short protein forms V117L.
Identifiers: ClinVar variation 1722030 (VCV001722030.6), dbSNP rs1257184004, ClinGen allele CA377412232.

ClinVar aggregate classification (germline): Uncertain significance (1 of 4 stars; one submission).

Conditions:
Generalized epilepsy-paroxysmal dyskinesia syndrome (PNKD3). Also called: Generalized epilepsy and paroxysmal dyskinesia; Paroxysmal nonkinesigenic dyskinesia, 3, with or without generalized epilepsy. Identifiers: Orphanet 79137, MedGen C5574945, MONDO:0012276, OMIM 609446.

Allele frequency attached by ClinVar (database versions not stated): TOPMed below 0.00001.

Submission:

Labcorp Genetics (formerly Invitae), Labcorp
Classification: Uncertain significance for Generalized epilepsy-paroxysmal dyskinesia syndrome. Last evaluated: 2023-07-17. Review status: criteria provided, single submitter. Criteria: Invitae Variant Classification Sherloc (09022015). Collection method: clinical testing. Allele origin: germline.
Comment: This sequence change replaces valine, which is neutral and non-polar, with leucine, which is neutral and non-polar, at codon 117 of the KCNMA1 protein (p.Val117Leu). In summary, the available evidence is currently insufficient to determine the role of this variant in disease. Therefore, it has been classified as a Variant of Uncertain Significance. An algorithm developed to predict the effect of missense changes on protein structure and function (PolyPhen-2) suggests that this variant is likely to be tolerated. ClinVar contains an entry for this variant (Variation ID: 1722030). This variant has not been reported in the literature in individuals affected with KCNMA1-related conditions. This variant is not present in population databases (gnomAD no frequency).